The following is an entry in ClinVar:

ClinVar aggregate classification (germline): Uncertain significance (1 of 4 stars; one submission).

Conditions:
Hyper-IgE recurrent infection syndrome 1, autosomal dominant. Also called: JOB SYNDROME; Job's Syndrome; STAT3 Hyper IgE Syndrome; Hyper-IgE recurrent infection syndrome 1; HYPER-IgE SYNDROME 1, AUTOSOMAL DOMINANT, WITH RECURRENT INFECTIONS. Identifiers: Orphanet 2314, MedGen C2936739, MONDO:0007818, OMIM 147060.
STAT3 gain of function. Identifiers: MedGen C4288261.

gnomAD v4.1: 1 of 1,614,216 alleles (0.000062%); highest among the groups gnomAD compares: Admixed American, 0.0017%; no homozygotes.

Submission:

Labcorp Genetics (formerly Invitae), Labcorp
Classification: Uncertain significance for STAT3 gain of function; Hyper-IgE recurrent infection syndrome 1, autosomal dominant. Last evaluated: 2023-04-03. Review status: criteria provided, single submitter. Criteria: Invitae Variant Classification Sherloc (09022015). Collection method: clinical testing. Allele origin: germline.
Comment: In summary, the available evidence is currently insufficient to determine the role of this variant in disease. Therefore, it has been classified as a Variant of Uncertain Significance. Advanced modeling of protein sequence and biophysical properties (such as structural, functional, and spatial information, amino acid conservation, physicochemical variation, residue mobility, and thermodynamic stability) performed at Invitae indicates that this missense variant is not expected to disrupt STAT3 protein function. This sequence change replaces asparagine, which is neutral and polar, with serine, which is neutral and polar, at codon 647 of the STAT3 protein (p.Asn647Ser). This variant is present in population databases (rs770986654, gnomAD 0.003%). This variant has not been reported in the literature in individuals affected with STAT3-related conditions.

NM_139276.3(STAT3):c.1940A>G (p.Asn647Ser)

Gene: STAT3 (signal transducer and activator of transcription 3; minus strand). Cytogenetic location: 17q21.2.
Variant type: single nucleotide variant.
Coding change: c.1940A>G on transcript NM_139276.3 (MANE Select); coding-DNA position 1940, A replaced by G.
Protein change: p.Asn647Ser; replaces asparagine 647 with serine.
Molecular consequence: missense variant.
Genome position (GRCh38, 1-based): chr17:42,322,443, T>C on the plus strand (A>G on the coding strand, the complement: STAT3 is on the minus strand). VCF-style: chr17-42322443-T-C. GRCh37 (hg19) VCF-style: chr17-40474461-T-C.
Other names: c.1940A>G, p.Asn647Ser (NM_001369512.1, NM_001369513.1, NM_001369514.1 and 9 more transcripts); c.1856A>G, p.Asn619Ser (NM_001384984.1); c.1862A>G, p.Asn621Ser (NM_001384985.1); c.1955A>G, p.Asn652Ser (NM_001384986.1, NM_001384990.1); c.1919A>G, p.Asn640Ser (NM_001384987.1); c.1844A>G, p.Asn615Ser (NM_001384989.1); c.1913A>G, p.Asn638Ser (NM_001384991.1); c.1880A>G, p.Asn627Ser (NM_001384992.1); short protein forms N627S, N619S, N638S, N652S, N615S, N621S, N640S, N647S.
Identifiers: ClinVar variation 2931142 (VCV002931142.3), dbSNP rs770986654, ClinGen allele CA8575183.
Genomic context (GRCh38, chr17:42,322,443, plus strand): 5'-ACCAGGATATTGGTAGCATCCATGATCTTATAGCCCATGATGATTTCAGCAAATGACATG[T>C]TGTTCAGCTGCTGCTTTGTGTATGGTTCCACGGACTGGATCTGGGTCTTACCTGTCACAG-3'
Protein context (NP_644805.1, residues 637-657): VEPYTKQQLN[Asn647Ser]MSFAEIIMGY